The following is an entry in ClinVar:

NM_003052.5(SLC34A1):c.460_480dup (p.Ile154_Val160dup)

Gene: SLC34A1 (solute carrier family 34 member 1; plus strand). Cytogenetic location: 5q35.3.
Variant type: Duplication.
Coding change: c.460_480dup on transcript NM_003052.5 (MANE Select); coding-DNA positions 460 to 480, 21 bases duplicated (ATCCTGGTGACCGTGCTGGTG).
Protein change: p.Ile154_Val160dup.
Molecular consequence: inframe insertion.
Genome position (GRCh38, 1-based): chr5:177,386,494-177,386,514, ATCCTGGTGACCGTGCTGGTG duplicated; duplicating any 21 consecutive bases within chr5:177,386,493-177,386,514 gives the same sequence; the c. name uses the placement nearest the transcript's 3' end. VCF-style (leftmost placement, unchanged base first): chr5-177386492-G-GGATCCTGGTGACCGTGCTGGT. GRCh37 (hg19) VCF-style: chr5-176813493-G-GGATCCTGGTGACCGTGCTGGT.
Other names: c.460_480dup, p.Ile154_Val160dup (NM_001167579.2); c.460_480dup21 (NM_003052.4).
Identifiers: ClinVar variation 12933 (VCV000012933.9), dbSNP rs1554095263, ClinGen allele CA3580395.

ClinVar aggregate classification (germline): Conflicting classifications of pathogenicity. Review status: criteria provided, conflicting classifications (1 of 4 stars). 5 submissions from 5 submitters: Likely pathogenic (2); Uncertain significance (2). 1 of the submissions does not count toward it. Last evaluated 2025-09-25.

Conditions:
SLC34A1-related disorder. Also called: SLC34A1-related condition; SLC34A1-related disorders.
Hypophosphatemic nephrolithiasis/osteoporosis 1. Identifiers: Orphanet 244305, MedGen C2676786, MONDO:0012850, OMIM 612286.
Fanconi renotubular syndrome 2 (FRTS2). Identifiers: MedGen C3150652, MONDO:0013247, OMIM 613388.
Hypercalcemia, infantile, 2 (HCINF2). Identifiers: Orphanet 300547, MedGen C4310473, MONDO:0014851, OMIM 616963.

Submissions (5):

3billion
Classification: Likely pathogenic for Fanconi renotubular syndrome 2. Last evaluated: 2025-09-25. Review status: criteria provided, single submitter. Criteria: ACMG Guidelines, 2015. Collection method: clinical testing. Allele origin: germline. Affected: yes.
Comment: The variant is observed at an extremely low frequency in the gnomAD v4.1.0 dataset (total allele frequency: 0.002%). Predicted Consequence/Location: Inframe insertion located in a nonrepeat region: predicted to change the length of the protein and disrupt normal protein function. The variant has been reported to be in trans with a pathogenic variant as either compound heterozygous or homozygous in at least one similarly affected unrelated individual (PMID: 34532044). The variant has been reported to be associated with SLC34A1-related disorder (ClinVar ID: VCV000012933). Therefore, this variant is classified as Likely pathogenic according to the recommendation of ACMG/AMP guideline.

PreventionGenetics, part of Exact Sciences
Classification: Uncertain significance for SLC34A1-related condition. Last evaluated: 2025-09-04. Review status: criteria provided, single submitter. Criteria: ACMG Guidelines, 2015. Collection method: clinical testing. Allele origin: germline.
Comment: The SLC34A1 c.460_480dup21 variant is predicted to result in an in-frame duplication (p.Ile154_Val160dup). To our knowledge, this variant has not been reported in the literature. This variant is reported in 0.0044% of alleles in individuals of European (Non-Finnish) descent in gnomAD. At this time, the clinical significance of this variant is uncertain due to the absence of conclusive functional and genetic evidence.

Rare Kidney Stone Consortium and the Mayo Clinic Hyperoxaluria Center, Mayo Clinic
Classification: Likely pathogenic for Fanconi renotubular syndrome 2; Hypercalcemia, infantile, 2; Hypophosphatemic nephrolithiasis/osteoporosis 1. Last evaluated: 2025-05-01. Review status: criteria provided, single submitter. Criteria: ACMG Guidelines, 2015. Collection method: research. Allele origin: germline. Affected: yes.
Comment: ACMG: PS1, PM2, PM4

Labcorp Genetics (formerly Invitae), Labcorp
Classification: Uncertain significance. Last evaluated: 2021-08-27. Review status: criteria provided, single submitter. Criteria: Invitae Variant Classification Sherloc (09022015). Collection method: clinical testing. Allele origin: germline.
Comment: This variant, c.460_480dup, results in the insertion of 7 amino acid(s) to the SLC34A1 protein (p.Ile154_Val160dup), but otherwise preserves the integrity of the reading frame. The frequency data for this variant in the population databases is considered unreliable, as metrics indicate poor data quality at this position in the ExAC database. This variant has been observed in individual(s) with SLC34A1-related conditions (PMID: 20335586). ClinVar contains an entry for this variant (Variation ID: 12933). Algorithms developed to predict the effect of variants on protein structure and function are not available or were not evaluated for this variant. Experimental studies have shown that this variant affects SLC34A1 function (PMID: 20335586). Algorithms developed to predict the effect of sequence changes on RNA splicing suggest that this variant may create or strengthen a splice site. In summary, the available evidence is currently insufficient to determine the role of this variant in disease. Therefore, it has been classified as a Variant of Uncertain Significance.

OMIM
Classification: Pathogenic for FANCONI RENOTUBULAR SYNDROME 2 (1 family). Last evaluated: 2010-03-25. Review status: no assertion criteria provided. Collection method: literature only. Allele origin: germline. Not counted in ClinVar's aggregate classification.

Literature cited by the submitters: PubMed 34532044 (cited by 3billion and Rare Kidney Stone Consortium and the Mayo Clinic Hyperoxaluria Center, Mayo Clinic); PubMed 34805638 (cited by Rare Kidney Stone Consortium and the Mayo Clinic Hyperoxaluria Center, Mayo Clinic); PubMed 33226606 (cited by Rare Kidney Stone Consortium and the Mayo Clinic Hyperoxaluria Center, Mayo Clinic); PubMed 29029121 (cited by Rare Kidney Stone Consortium and the Mayo Clinic Hyperoxaluria Center, Mayo Clinic); PubMed 20335586 (cited by 3 submitters); PubMed 2842681 (cited by OMIM).